The following is an entry in ClinVar:

ClinVar aggregate classification (germline): Uncertain significance (1 of 4 stars; one submission).

Allele frequency attached by ClinVar (database versions not stated): gnomAD exomes below 0.00001.
gnomAD v4.1: 1 of 1,613,890 alleles (0.000062%); highest among the groups gnomAD compares: Non-Finnish European, 0.000085%; no homozygotes.

Submission:

Labcorp Genetics (formerly Invitae), Labcorp
Classification: Uncertain significance. Last evaluated: 2023-05-04. Review status: criteria provided, single submitter. Criteria: Invitae Variant Classification Sherloc (09022015). Collection method: clinical testing. Allele origin: germline.
Comment: In summary, the available evidence is currently insufficient to determine the role of this variant in disease. Therefore, it has been classified as a Variant of Uncertain Significance. Advanced modeling of protein sequence and biophysical properties (such as structural, functional, and spatial information, amino acid conservation, physicochemical variation, residue mobility, and thermodynamic stability) performed at Invitae indicates that this missense variant is not expected to disrupt PPP2R1A protein function. This variant has not been reported in the literature in individuals affected with PPP2R1A-related conditions. This variant is not present in population databases (gnomAD no frequency). This sequence change replaces glycine, which is neutral and non-polar, with serine, which is neutral and polar, at codon 149 of the PPP2R1A protein (p.Gly149Ser).

NM_014225.6(PPP2R1A):c.445G>A (p.Gly149Ser)

Gene: PPP2R1A (protein phosphatase 2 scaffold subunit Aalpha; plus strand). Cytogenetic location: 19q13.41.
Variant type: single nucleotide variant.
Coding change: c.445G>A on transcript NM_014225.6 (MANE Select); coding-DNA position 445, G replaced by A.
Protein change: p.Gly149Ser; replaces glycine 149 with serine.
Molecular consequence: missense variant. On other transcripts: 5 prime UTR variant (1), non-coding transcript variant (1).
Genome position (GRCh38, 1-based): chr19:52,211,434, G>A. VCF-style: chr19-52211434-G-A. GRCh37 (hg19) VCF-style: chr19-52714687-G-A.
Other names: c.-93G>A (NM_001363656.2); short protein forms G149S.
Identifiers: ClinVar variation 2861940 (VCV002861940.3), dbSNP rs2122330071, ClinGen allele CA407182838.